The following is an entry in ClinVar:

ClinVar aggregate classification (germline): Pathogenic (1 of 4 stars; one submission).

Conditions:
Hereditary breast ovarian cancer syndrome. Also called: Hereditary breast and/or ovarian cancer syndrome; Hereditary breast and ovarian cancer syndrome; Hereditary breast and ovarian cancer; Hereditary breast and ovarian cancer syndrome (HBOC); Breast and ovarian cancer; BRCA1- and BRCA2-Associated Hereditary Breast and Ovarian Cancer. Identifiers: Orphanet 145, MedGen C0677776, MeSH D061325, MONDO:0003582. Disease mechanism: loss of function.

Submission:

Labcorp Genetics (formerly Invitae), Labcorp
Classification: Pathogenic for Hereditary breast ovarian cancer syndrome. Last evaluated: 2019-07-30. Review status: criteria provided, single submitter. Criteria: Invitae Variant Classification Sherloc (09022015). Collection method: clinical testing. Allele origin: germline.
Comment: This sequence change creates a premature translational stop signal (p.Leu833Phefs*4) in the BRCA1 gene. It is expected to result in an absent or disrupted protein product. This variant is not present in population databases (ExAC no frequency). This variant has not been reported in the literature in individuals with BRCA1-related conditions. Loss-of-function variants in BRCA1 are known to be pathogenic (PMID: 20104584). For these reasons, this variant has been classified as Pathogenic.

Literature cited by the submitters: PubMed 20104584.

NM_007294.4(BRCA1):c.2498dup (p.Leu833fs)

Gene: BRCA1 (BRCA1 DNA repair associated; minus strand). Cytogenetic location: 17q21.31.
Variant type: Duplication.
Coding change: c.2498dup on transcript NM_007294.4 (MANE Select); coding-DNA position 2498, one base duplicated (T; older notation c.2498dupT).
Protein change: p.Leu833fs; shifts the reading frame from leucine 833.
Molecular consequence: frameshift variant. On other transcripts: intron variant (137).
Genome position (GRCh38, 1-based): chr17:43,093,033, A duplicated on the plus strand (T on the coding strand, the reverse complement: BRCA1 is on the minus strand); the first of 2 consecutive A bases (chr17:43,093,033-43,093,034); duplicating either gives the same sequence. VCF-style (leftmost placement, unchanged base first): chr17-43093032-C-CA. GRCh37 (hg19) VCF-style: chr17-41245049-C-CA.
Other names: c.2285dup, p.Leu762fs (NM_001407571.1, NM_001407853.1, NM_001407894.1 and 9 more transcripts); c.2498dup, p.Leu833fs (NM_001407581.1, NM_001407582.1, NM_001407583.1 and 30 more transcripts); c.2495dup, p.Leu832fs (NM_001407587.1, NM_001407590.1, NM_001407591.1 and 22 more transcripts); c.2489dup, p.Leu830fs (NM_001407646.1, NM_001407647.1); c.2375dup, p.Leu792fs (NM_001407648.1, NM_001407664.1, NM_001407665.1 and 19 more transcripts); c.2372dup, p.Leu791fs (NM_001407649.1, NM_001407670.1, NM_001407671.1 and 11 more transcripts); c.2420dup, p.Leu807fs (NM_001407653.1, NM_001407654.1, NM_001407655.1 and 4 more transcripts); c.2417dup, p.Leu806fs (NM_001407659.1, NM_001407660.1, NM_001407661.1 and 1 more transcripts); and 42 more; short protein forms L833fs, L786fs, L665fs, L744fs, L762fs, L806fs, L830fs, L537fs.
Identifiers: ClinVar variation 940268 (VCV000940268.9), dbSNP rs2053749959, ClinGen allele CA1139664774.